The following is an entry in ClinVar:

NM_020461.4(TUBGCP6):c.4253A>G (p.Tyr1418Cys)

Gene: TUBGCP6 (tubulin gamma complex component 6; minus strand). Cytogenetic location: 22q13.33.
Variant type: single nucleotide variant.
Coding change: c.4253A>G on transcript NM_020461.4 (MANE Select); coding-DNA position 4253, A replaced by G.
Protein change: p.Tyr1418Cys; replaces tyrosine 1418 with cysteine.
Molecular consequence: missense variant.
Genome position (GRCh38, 1-based): chr22:50,219,706, T>C on the plus strand (A>G on the coding strand, the complement: TUBGCP6 is on the minus strand). VCF-style: chr22-50219706-T-C. GRCh37 (hg19) VCF-style: chr22-50658135-T-C.
Other names: short protein forms Y1418C.
Identifiers: ClinVar variation 1973241 (VCV001973241.5), dbSNP rs200427761, ClinGen allele CA325510997.
Genomic context (GRCh38, chr22:50,219,706, plus strand): 5'-ATGGACTCGTAACTGTCCGGGTACCGCTCCAAGTGGTACTGCCCTGCCAGGCCTGCCAGG[T>C]AGGCCTGCTCCCCACCCTGAGCCTCCGCCGCCGATGCCTCCGCCTCCTCACCACGGCCTG-3'
Protein context (NP_065194.3, residues 1408-1428): AAEAQGGEQA[Tyr1418Cys]LAGLAGQYHL

ClinVar aggregate classification (germline): Uncertain significance (1 of 4 stars; one submission).

gnomAD v4.1: 4 of 1,613,630 alleles (0.00025%); highest among the groups gnomAD compares: Admixed American, 0.0017%; no homozygotes.

Submission:

Labcorp Genetics (formerly Invitae), Labcorp
Classification: Uncertain significance. Last evaluated: 2022-01-03. Review status: criteria provided, single submitter. Criteria: Invitae Variant Classification Sherloc (09022015). Collection method: clinical testing. Allele origin: germline.
Comment: In summary, the available evidence is currently insufficient to determine the role of this variant in disease. Therefore, it has been classified as a Variant of Uncertain Significance. Algorithms developed to predict the effect of missense changes on protein structure and function are either unavailable or do not agree on the potential impact of this missense change (SIFT: "Deleterious"; PolyPhen-2: "Probably Damaging"; Align-GVGD: "Class C0"). This variant has not been reported in the literature in individuals affected with TUBGCP6-related conditions. This variant is present in population databases (no rsID available, gnomAD 0.003%). This sequence change replaces tyrosine, which is neutral and polar, with cysteine, which is neutral and slightly polar, at codon 1418 of the TUBGCP6 protein (p.Tyr1418Cys).